The following is an entry in ClinVar:

ClinVar aggregate classification (germline): Uncertain significance. Review status: criteria provided, multiple submitters, no conflicts (2 of 4 stars). 4 submissions from 4 submitters: Uncertain significance (4). Last evaluated 2024-06-04.

Conditions:
Inborn genetic diseases. Identifiers: MedGen C0950123, MeSH D030342.
PMM2-congenital disorder of glycosylation. Also called: Congenital disorder of glycosylation, type Ia; PMM2-CDG; CDG Ia; JAEKEN SYNDROME; PHOSPHOMANNOMUTASE 2 DEFICIENCY; CARBOHYDRATE-DEFICIENT GLYCOPROTEIN SYNDROME, TYPE Ia. Identifiers: Orphanet 79318, MedGen C0349653, MONDO:0008907, OMIM 212065.

Allele frequency attached by ClinVar (database versions not stated): ExAC 0.00001; gnomAD exomes 0.00001; TOPMed 0.00001; gnomAD 0.00002; ESP Exome Variant Server 0.00008.
gnomAD v4.1: 11 of 1,610,446 alleles (0.00068%); highest among the groups gnomAD compares: African/African-American, 0.0013%; no homozygotes.

Submissions (4):

Fulgent Genetics
Classification: Uncertain significance for PMM2-congenital disorder of glycosylation. Last evaluated: 2024-06-04. Review status: criteria provided, single submitter. Criteria: ACMG Guidelines, 2015. Collection method: clinical testing. Allele origin: germline.

Ambry Genetics
Classification: Uncertain significance for Inborn genetic diseases. Last evaluated: 2023-04-12. Review status: criteria provided, single submitter. Criteria: Ambry Variant Classification Scheme 2023. Collection method: clinical testing. Allele origin: germline.

Labcorp Genetics (formerly Invitae), Labcorp
Classification: Uncertain significance for PMM2-congenital disorder of glycosylation. Last evaluated: 2022-06-01. Review status: criteria provided, single submitter. Criteria: Invitae Variant Classification Sherloc (09022015). Collection method: clinical testing. Allele origin: germline.
Comment: This sequence change replaces valine, which is neutral and non-polar, with leucine, which is neutral and non-polar, at codon 52 of the PMM2 protein (p.Val52Leu). This variant is present in population databases (rs148608841, gnomAD 0.004%). This variant has not been reported in the literature in individuals affected with PMM2-related conditions. ClinVar contains an entry for this variant (Variation ID: 886852). Algorithms developed to predict the effect of missense changes on protein structure and function output the following: SIFT: "Tolerated"; PolyPhen-2: "Benign"; Align-GVGD: "Class C0". The leucine amino acid residue is found in multiple mammalian species, which suggests that this missense change does not adversely affect protein function. In summary, the available evidence is currently insufficient to determine the role of this variant in disease. Therefore, it has been classified as a Variant of Uncertain Significance.

Illumina Laboratory Services, Illumina
Classification: Uncertain significance for PMM2-congenital disorder of glycosylation. Last evaluated: 2018-01-13. Review status: criteria provided, single submitter. Criteria: ICSL Variant Classification Criteria 13 December 2019. Collection method: clinical testing. Allele origin: germline.

NM_000303.3(PMM2):c.154G>C (p.Val52Leu)

Gene: PMM2 (phosphomannomutase 2; plus strand). Cytogenetic location: 16p13.2.
Variant type: single nucleotide variant.
Coding change: c.154G>C on transcript NM_000303.3 (MANE Select); coding-DNA position 154, G replaced by C.
Protein change: p.Val52Leu; replaces valine 52 with leucine.
Molecular consequence: missense variant.
Genome position (GRCh38, 1-based): chr16:8,801,886, G>C. VCF-style: chr16-8801886-G-C. GRCh37 (hg19) VCF-style: chr16-8895743-G-C.
Other names: short protein forms V52L.
Identifiers: ClinVar variation 886852 (VCV000886852.9), dbSNP rs148608841, ClinGen allele CA7893909.